The following is an entry in ClinVar:

ClinVar aggregate classification (germline): Likely pathogenic (1 of 4 stars; one submission).

Conditions:
Neurodevelopmental disorder. Identifiers: MedGen C1535926, MeSH D065886, MONDO:0700092.

Submission:

Rady Children's Institute for Genomic Medicine, Rady Children's Hospital San Diego
Classification: Likely pathogenic for Neurodevelopmental disorder. Last evaluated: 2020-01-20. Review status: criteria provided, single submitter. Criteria: ACMG Guidelines, 2015. Collection method: clinical testing. Allele origin: germline. Affected: yes.
Comment: This variant has not been previously reported or functionally characterized in the literature to our knowledge. It is absent from the ExAC and gnomAD population databases and thus is presumed to be rare. The c.887T>C (p.Leu296Pro) variant affects a highly conserved amino acid and is predicted by multiple in silico tools to have a deleterious effect on protein function. Analysis of the parental samples was negative for the variant, indicating this variant likely occurred as a de novo event. Based on the available evidence, the c.887T>C (p.Leu296Pro) variant is classified as Likely Pathogenic.

NM_006852.6(TLK2):c.887T>C (p.Leu296Pro)

Gene: TLK2 (tousled like kinase 2; plus strand). Cytogenetic location: 17q23.2.
Variant type: single nucleotide variant.
Coding change: c.887T>C on transcript NM_006852.6 (MANE Select); coding-DNA position 887, T replaced by C.
Protein change: p.Leu296Pro; replaces leucine 296 with proline.
Molecular consequence: missense variant.
Genome position (GRCh38, 1-based): chr17:62,565,056, T>C. VCF-style: chr17-62565056-T-C. GRCh37 (hg19) VCF-style: chr17-60642417-T-C.
Other names: c.887T>C, p.Leu296Pro (NM_001284333.3, NM_001375270.1, NM_001375271.1); c.791T>C, p.Leu264Pro (NM_001284363.1, NM_001375272.1); c.440T>C, p.Leu147Pro (NM_001330418.3, NM_001375273.1); c.929T>C, p.Leu310Pro (NM_001375269.1); short protein forms L147P, L264P, L296P, L310P.
Identifiers: ClinVar variation 984927 (VCV000984927.1), dbSNP rs2079641759, ClinGen allele CA400499535.